The following is an entry in ClinVar:

ClinVar aggregate classification (germline): Uncertain significance (1 of 4 stars; one submission).

Submission:

GeneDx
Classification: Uncertain significance. Last evaluated: 2022-07-15. Review status: criteria provided, single submitter. Criteria: GeneDx Variant Classification Process June 2021. Collection method: clinical testing. Allele origin: germline. Affected: yes.
Comment: Not observed at significant frequency in large population cohorts (gnomAD); In silico analysis supports that this missense variant does not alter protein structure/function; Has not been previously published as pathogenic or benign to our knowledge

NM_021224.6(ZNF462):c.5870T>C (p.Val1957Ala)

Gene: ZNF462 (zinc finger protein 462; plus strand). Cytogenetic location: 9q31.2.
Variant type: single nucleotide variant.
Coding change: c.5870T>C on transcript NM_021224.6 (MANE Select); coding-DNA position 5870, T replaced by C.
Protein change: p.Val1957Ala; replaces valine 1957 with alanine.
Molecular consequence: missense variant.
Genome position (GRCh38, 1-based): chr9:106,930,547, T>C. VCF-style: chr9-106930547-T-C. GRCh37 (hg19) VCF-style: chr9-109692828-T-C.
Other names: c.3275T>C, p.Val1092Ala (NM_001347997.2); short protein forms V1092A, V1957A.
Identifiers: ClinVar variation 1878977 (VCV001878977.1), dbSNP rs2538828434, ClinGen allele CA374418612.